The following is an entry in ClinVar:

NM_000537.4(REN):c.72C>T (p.Leu24=)

Genes: REN (renin; minus strand), LOC107548112 (REN promoter and enhancer region; plus strand). Cytogenetic location: 1q32.1.
Variant type: single nucleotide variant.
Coding change: c.72C>T on transcript NM_000537.4 (MANE Select); coding-DNA position 72, C replaced by T.
Protein change: p.Leu24=; no amino-acid change (leucine 24 retained).
Molecular consequence: synonymous variant.
Genome position (GRCh38, 1-based): chr1:204,166,222, G>A on the plus strand (C>T on the coding strand, the complement: REN is on the minus strand). VCF-style: chr1-204166222-G-A. GRCh37 (hg19) VCF-style: chr1-204135350-G-A.
Other names: c.72C>T (NM_000537.3).
Identifiers: ClinVar variation 4929681 (VCV004929681.2).

ClinVar aggregate classification (germline): Likely benign. Review status: criteria provided, multiple submitters, no conflicts (2 of 4 stars). 2 submissions from 2 submitters: Likely benign (2). Last evaluated 2025-03-30.

Conditions:
REN-related disorder. Also called: REN-related condition.

gnomAD v4.1: 56 of 1,614,052 alleles (0.0035%); highest among the groups gnomAD compares: Non-Finnish European, 0.0044%; no homozygotes.

Submissions (2):

PreventionGenetics, part of Exact Sciences
Classification: Likely benign for REN-related condition. Last evaluated: 2025-03-30. Review status: criteria provided, single submitter. Criteria: ACMG Guidelines, 2015. Collection method: clinical testing. Allele origin: germline.
Comment: This variant is classified as likely benign based on ACMG/AMP sequence variant interpretation guidelines (Richards et al. 2015 PMID: 25741868, with internal and published modifications).

Blueprint Genetics
Classification: Likely benign. Last evaluated: 2023-12-28. Review status: criteria provided, single submitter. Criteria: ACMG Guidelines, 2015. Collection method: clinical testing. Allele origin: germline.